The following is an entry in ClinVar:

ClinVar aggregate classification (germline): Conflicting classifications of pathogenicity. Review status: criteria provided, conflicting classifications (1 of 4 stars). 6 submissions from 6 submitters: Uncertain significance (3); Benign (1). 2 of the submissions do not count toward it. Last evaluated 2026-01-22.

Conditions:
Inborn genetic diseases. Identifiers: MedGen C0950123, MeSH D030342.
Autosomal dominant nebulin-related myopathy. Identifiers: MedGen CN379769, MONDO:1010152.
NEB-related disorder. Also called: NEB-Related Disorders; NEB-related condition.
Nemaline myopathy 2 (NEM2). Also called: Nemaline myopathy 2, autosomal recessive. Identifiers: MedGen C1850569, MONDO:0009725, OMIM 256030.

Allele frequency attached by ClinVar (database versions not stated): ExAC 0.00009; gnomAD 0.00012 and 0.00014; 1000 Genomes Project 30x 0.00016; 1000 Genomes Project 0.00020; gnomAD exomes 0.00002 and 0.00005; TOPMed 0.00015; ESP Exome Variant Server 0.00017.
gnomAD v4.1: 44 of 1,608,708 alleles (0.0027%); highest among the groups gnomAD compares: African/African-American, 0.037%; no homozygotes.

Submissions (6):

Dasa
Classification: Uncertain significance for Autosomal dominant nebulin-related myopathy. Last evaluated: 2026-01-22. Review status: criteria provided, single submitter. Criteria: DASA Assertion Criteria. Collection method: clinical testing. Allele origin: germline.
Comment: NM_001164508.2(NEB):c.11900A>G (p.Asn3967Ser) is a missense variant that results in the substitution of asparagine with serine. This variant is rare in population databases. The currently available literature and clinical evidence are not sufficient to establish a definitive association between this variant and the reported condition. Therefore, this variant is classified as a variant of uncertain significance.

Labcorp Genetics (formerly Invitae), Labcorp
Classification: Benign for Nemaline myopathy 2. Last evaluated: 2025-12-08. Review status: criteria provided, single submitter. Criteria: Invitae Variant Classification Sherloc (09022015). Collection method: clinical testing. Allele origin: germline.

Ambry Genetics
Classification: Uncertain significance for Inborn genetic diseases. Last evaluated: 2025-03-01. Review status: criteria provided, single submitter. Criteria: Ambry Variant Classification Scheme 2023. Collection method: clinical testing. Allele origin: germline.

Revvity Omics, Revvity
Classification: Uncertain significance. Last evaluated: 2024-06-26. Review status: criteria provided, single submitter. Criteria: ACMG Guidelines, 2015. Collection method: clinical testing. Allele origin: germline.

PreventionGenetics, part of Exact Sciences
Classification: Uncertain significance for NEB-related condition. Last evaluated: 2024-07-22. Review status: no assertion criteria provided. Collection method: clinical testing. Allele origin: germline. Not counted in ClinVar's aggregate classification.
Comment: The NEB c.11900A>G variant is predicted to result in the amino acid substitution p.Asn3967Ser. To our knowledge, this variant has not been reported in the literature. This variant is reported in 0.051% of alleles in individuals of African descent in gnomAD. Although we suspect that this variant may be benign, at this time, the clinical significance of this variant is uncertain due to the absence of conclusive functional and genetic evidence.

Natera, Inc.
Classification: Uncertain significance for Nemaline myopathy type 2. Last evaluated: 2020-09-16. Review status: no assertion criteria provided. Collection method: clinical testing. Allele origin: germline. Not counted in ClinVar's aggregate classification.

NM_001164508.2(NEB):c.11900A>G (p.Asn3967Ser)

Gene: NEB (nebulin; minus strand). Cytogenetic location: 2q23.3.
Variant type: single nucleotide variant.
Coding change: c.11900A>G on transcript NM_001164508.2 (MANE Select); coding-DNA position 11900, A replaced by G.
Protein change: p.Asn3967Ser; replaces asparagine 3967 with serine.
Molecular consequence: missense variant.
Genome position (GRCh38, 1-based): chr2:151,610,772, T>C on the plus strand (A>G on the coding strand, the complement: NEB is on the minus strand). VCF-style: chr2-151610772-T-C. GRCh37 (hg19) VCF-style: chr2-152467286-T-C.
Other names: c.11900A>G, p.Asn3967Ser (NM_001164507.2, NM_001271208.2); c.11171A>G, p.Asn3724Ser (NM_004543.5); c.11171A>G (NM_004543.4); short protein forms N3724S, N3967S.
Identifiers: ClinVar variation 861272 (VCV000861272.15), dbSNP rs376194864, ClinGen allele CA1908648.